The following is an entry in ClinVar:

ClinVar aggregate classification (germline): Uncertain significance (1 of 4 stars; one submission).

Conditions:
Cardiovascular phenotype. Identifiers: MedGen CN230736.

Allele frequency attached by ClinVar (database versions not stated): gnomAD exomes below 0.00001.
gnomAD v4.1: 1 of 1,599,956 alleles (0.000063%); no homozygotes.

Submission:

Ambry Genetics
Classification: Uncertain significance for Cardiovascular phenotype. Last evaluated: 2023-06-03. Review status: criteria provided, single submitter. Criteria: Ambry Variant Classification Scheme 2023. Collection method: clinical testing. Allele origin: germline.
Comment: The p.G25E variant (also known as c.74G>A), located in coding exon 1 of the BAG3 gene, results from a G to A substitution at nucleotide position 74. The glycine at codon 25 is replaced by glutamic acid, an amino acid with similar properties. This amino acid position is conserved. In addition, this alteration is predicted to be deleterious by in silico analysis. Since supporting evidence is limited at this time, the clinical significance of this alteration remains unclear.

NM_004281.4(BAG3):c.74G>A (p.Gly25Glu)

Gene: BAG3 (BAG cochaperone 3; plus strand). Cytogenetic location: 10q26.11.
Variant type: single nucleotide variant.
Coding change: c.74G>A on transcript NM_004281.4 (MANE Select); coding-DNA position 74, G replaced by A.
Protein change: p.Gly25Glu; replaces glycine 25 with glutamic acid.
Molecular consequence: missense variant.
Genome position (GRCh38, 1-based): chr10:119,651,749, G>A. VCF-style: chr10-119651749-G-A. GRCh37 (hg19) VCF-style: chr10-121411261-G-A.
Other names: short protein forms G25E.
Identifiers: ClinVar variation 2567318 (VCV002567318.2), dbSNP rs142391650, ClinGen allele CA378294116.